The following is an entry in ClinVar:

NM_001162501.2(TNRC6B):c.5368G>A (p.Ala1790Thr)

Gene: TNRC6B (trinucleotide repeat containing adaptor 6B; plus strand). Cytogenetic location: 22q13.1.
Variant type: single nucleotide variant.
Coding change: c.5368G>A on transcript NM_001162501.2 (MANE Select); coding-DNA position 5368, G replaced by A.
Protein change: p.Ala1790Thr; replaces alanine 1790 with threonine.
Molecular consequence: missense variant.
Genome position (GRCh38, 1-based): chr22:40,323,107, G>A. VCF-style: chr22-40323107-G-A. GRCh37 (hg19) VCF-style: chr22-40719111-G-A.
Other names: c.2956G>A, p.Ala986Thr (NM_001024843.2); c.5038G>A, p.Ala1680Thr (NM_015088.3); short protein forms A1790T, A986T, A1680T.
Identifiers: ClinVar variation 2220640 (VCV002220640.2), dbSNP rs771085296, ClinGen allele CA10247525.

ClinVar aggregate classification (germline): Uncertain significance (1 of 4 stars; one submission).

Conditions:
Inborn genetic diseases. Identifiers: MedGen C0950123, MeSH D030342.

Allele frequency attached by ClinVar (database versions not stated): gnomAD 0.00001; gnomAD exomes 0.00002; ExAC 0.00007.
gnomAD v4.1: 28 of 1,611,458 alleles (0.0017%); highest among the groups gnomAD compares: East Asian, 0.0089%; no homozygotes.

Submission:

Ambry Genetics
Classification: Uncertain significance for Inborn genetic diseases. Last evaluated: 2020-12-28. Review status: criteria provided, single submitter. Criteria: Ambry Variant Classification Scheme 2023. Collection method: clinical testing. Allele origin: germline.
Comment: The c.5368G>A (p.A1790T) alteration is located in exon 23 (coding exon 23) of the TNRC6B gene. This alteration results from a G to A substitution at nucleotide position 5368, causing the alanine (A) at amino acid position 1790 to be replaced by a threonine (T). The p.A1790T alteration is predicted to be tolerated by in silico analysis. Based on insufficient or conflicting evidence, the clinical significance of this alteration remains unclear.